The following is an entry in ClinVar:

NM_001111125.3(IQSEC2):c.3301A>G (p.Met1101Val)

Gene: IQSEC2 (IQ motif and Sec7 domain ArfGEF 2; minus strand). Cytogenetic location: Xp11.22.
Variant type: single nucleotide variant.
Coding change: c.3301A>G on transcript NM_001111125.3 (MANE Select); coding-DNA position 3301, A replaced by G.
Protein change: p.Met1101Val; replaces methionine 1101 with valine.
Molecular consequence: missense variant.
Genome position (GRCh38, 1-based): chrX:53,236,472, T>C on the plus strand (A>G on the coding strand, the complement: IQSEC2 is on the minus strand). VCF-style: chrX-53236472-T-C. GRCh37 (hg19) VCF-style: chrX-53265654-T-C.
Other names: c.3301A>G, p.Met1101Val (NM_001410736.1); c.2686A>G, p.Met896Val (NM_015075.2); short protein forms M896V, M1101V.
Identifiers: ClinVar variation 2741393 (VCV002741393.3), dbSNP rs2519690591, ClinGen allele CA413145514.

ClinVar aggregate classification (germline): Uncertain significance (1 of 4 stars; one submission).

Conditions:
Intellectual developmental disorder, X-linked 1. Also called: MENTAL RETARDATION, X-LINKED 18; MENTAL RETARDATION, X-LINKED 78; Atkin Flaitz Patil Smith syndrome; Intellectual disability, X-linked 1. Identifiers: Orphanet 777, MedGen C2931498, MONDO:0010656, OMIM 309530.

Submission:

Labcorp Genetics (formerly Invitae), Labcorp
Classification: Uncertain significance for Intellectual developmental disorder, X-linked 1. Last evaluated: 2023-11-27. Review status: criteria provided, single submitter. Criteria: Invitae Variant Classification Sherloc (09022015). Collection method: clinical testing. Allele origin: germline.
Comment: This sequence change replaces methionine, which is neutral and non-polar, with valine, which is neutral and non-polar, at codon 1101 of the IQSEC2 protein (p.Met1101Val). This variant is not present in population databases (gnomAD no frequency). This variant has not been reported in the literature in individuals affected with IQSEC2-related conditions. Advanced modeling of protein sequence and biophysical properties (such as structural, functional, and spatial information, amino acid conservation, physicochemical variation, residue mobility, and thermodynamic stability) performed at Invitae indicates that this missense variant is not expected to disrupt IQSEC2 protein function with a negative predictive value of 95%. In summary, the available evidence is currently insufficient to determine the role of this variant in disease. Therefore, it has been classified as a Variant of Uncertain Significance.